The following is an entry in ClinVar:

NM_004006.3(DMD):c.6058G>T (p.Ala2020Ser)

Gene: DMD (dystrophin; minus strand). Cytogenetic location: Xp21.1.
Variant type: single nucleotide variant.
Coding change: c.6058G>T on transcript NM_004006.3 (MANE Select); coding-DNA position 6058, G replaced by T.
Protein change: p.Ala2020Ser; replaces alanine 2020 with serine.
Molecular consequence: missense variant.
Genome position (GRCh38, 1-based): chrX:32,310,141, C>A on the plus strand (G>T on the coding strand, the complement: DMD is on the minus strand). VCF-style: chrX-32310141-C-A. GRCh37 (hg19) VCF-style: chrX-32328258-C-A.
Other names: c.6034G>T, p.Ala2012Ser (NM_000109.4); c.6046G>T, p.Ala2016Ser (NM_004009.3); c.5689G>T, p.Ala1897Ser (NM_004010.3); c.2035G>T, p.Ala679Ser (NM_004011.4); c.2026G>T, p.Ala676Ser (NM_004012.4); short protein forms A2020S, A679S, A2012S, A2016S, A676S, A1897S.
Identifiers: ClinVar variation 597151 (VCV000597151.17), dbSNP rs765460659, ClinGen allele CA412669667.

ClinVar aggregate classification (germline): Uncertain significance. Review status: criteria provided, multiple submitters, no conflicts (2 of 4 stars). 3 submissions from 3 submitters: Uncertain significance (3). Last evaluated 2020-02-17.

Conditions:
Duchenne muscular dystrophy (DMD). Also called: MUSCULAR DYSTROPHY, PSEUDOHYPERTROPHIC PROGRESSIVE, DUCHENNE TYPE; Duchenne Muscular Dystrophy (DMD). Identifiers: Orphanet 98896, MedGen C0013264, MONDO:0010679, OMIM 310200.

gnomAD v4.1: 1 of 1,209,435 alleles (0.000083%); highest among the groups gnomAD compares: Non-Finnish European, 0.00011%; no homozygotes.

Submissions (3):

Labcorp Genetics (formerly Invitae), Labcorp
Classification: Uncertain significance for Duchenne muscular dystrophy. Last evaluated: 2020-02-17. Review status: criteria provided, single submitter. Criteria: Invitae Variant Classification Sherloc (09022015). Collection method: clinical testing. Allele origin: germline.
Comment: In summary, the available evidence is currently insufficient to determine the role of this variant in disease. Therefore, it has been classified as a Variant of Uncertain Significance. Algorithms developed to predict the effect of missense changes on protein structure and function output the following: SIFT: "Tolerated"; PolyPhen-2: "Possibly Damaging"; Align-GVGD: "Class C0". The serine amino acid residue is found in multiple mammalian species, suggesting that this missense change does not adversely affect protein function. These predictions have not been confirmed by published functional studies and their clinical significance is uncertain. This variant has not been reported in the literature in individuals with DMD-related conditions. ClinVar contains an entry for this variant (Variation ID: 597151). This variant is not present in population databases (ExAC no frequency). This sequence change replaces alanine with serine at codon 2020 of the DMD protein (p.Ala2020Ser). The alanine residue is moderately conserved and there is a moderate physicochemical difference between alanine and serine.

Revvity Omics, Revvity
Classification: Uncertain significance. Last evaluated: 2019-12-09. Review status: criteria provided, single submitter. Criteria: ACMG Guidelines, 2015. Collection method: clinical testing. Allele origin: germline.

Eurofins Ntd Llc (ga)
Classification: Uncertain significance. Last evaluated: 2018-05-16. Review status: criteria provided, single submitter. Criteria: EGL ClinVar v180209 classification definitions. Collection method: clinical testing. Allele origin: germline. Observed: 1 variant allele, 1 hemizygote.